The following is an entry in ClinVar:

ClinVar aggregate classification (germline): Uncertain significance (1 of 4 stars; one submission).

Conditions:
Renal carnitine transport defect (CDSP). Also called: Systemic primary carnitine deficiency disease; Carnitine Deficiency, Systemic; Primary carnitine deficiency; Systemic primary carnitine deficiency; Carnitine transporter deficiency; CARNITINE DEFICIENCY, SYSTEMIC, DUE TO DEFECT IN RENAL REABSORPTION OF CARNITINE. Identifiers: Orphanet 158, MedGen C0342788, MONDO:0008919, OMIM 212140.

Submission:

Labcorp Genetics (formerly Invitae), Labcorp
Classification: Uncertain significance for Renal carnitine transport defect. Last evaluated: 2025-09-10. Review status: criteria provided, single submitter. Criteria: Invitae Variant Classification Sherloc (09022015). Collection method: clinical testing. Allele origin: germline.
Comment: This sequence change replaces glycine, which is neutral and non-polar, with arginine, which is basic and polar, at codon 438 of the SLC22A5 protein (p.Gly438Arg). This variant is not present in population databases (gnomAD no frequency). This variant has not been reported in the literature in individuals affected with SLC22A5-related conditions. Invitae Evidence Modeling of protein sequence and biophysical properties (such as structural, functional, and spatial information, amino acid conservation, physicochemical variation, residue mobility, and thermodynamic stability) indicates that this missense variant is expected to disrupt SLC22A5 protein function with a positive predictive value of 95%. In summary, the available evidence is currently insufficient to determine the role of this variant in disease. Therefore, it has been classified as a Variant of Uncertain Significance.

NM_003060.4(SLC22A5):c.1312G>A (p.Gly438Arg)

Gene: SLC22A5 (solute carrier family 22 member 5; plus strand). Cytogenetic location: 5q31.1.
Variant type: single nucleotide variant.
Coding change: c.1312G>A on transcript NM_003060.4 (MANE Select); coding-DNA position 1312, G replaced by A.
Protein change: p.Gly438Arg; replaces glycine 438 with arginine.
Molecular consequence: missense variant.
Genome position (GRCh38, 1-based): chr5:132,392,477, G>A. VCF-style: chr5-132392477-G-A. GRCh37 (hg19) VCF-style: chr5-131728169-G-A.
Other names: c.1384G>A, p.Gly462Arg (NM_001308122.2); short protein forms G438R, G462R.
Identifiers: ClinVar variation 4709899 (VCV004709899.1).